The following is an entry in ClinVar:

NM_021971.4(GMPPB):c.291_294del (p.Ser98fs)

Gene: GMPPB (GDP-mannose pyrophosphorylase B; minus strand). Cytogenetic location: 3p21.31.
Variant type: Microsatellite.
Coding change: c.291_294del on transcript NM_021971.4 (MANE Select); coding-DNA positions 291 to 294, 4 bases deleted (CTCT; older notation c.291_294delCTCT).
Protein change: p.Ser98fs; shifts the reading frame from serine 98.
Molecular consequence: frameshift variant.
Genome position (GRCh38, 1-based): chr3:49,723,080-49,723,083, AGAG deleted on the plus strand (CTCT on the coding strand, the reverse complement: GMPPB is on the minus strand); deleting any 4 consecutive bases within chr3:49,723,080-49,723,085 gives the same sequence; the c. name uses the placement nearest the transcript's 3' end. VCF-style (leftmost placement, unchanged base first): chr3-49723079-CAGAG-C. GRCh37 (hg19) VCF-style: chr3-49760512-CAGAG-C.
Other names: NM_013334.4:c.291_294del; c.291_294del, p.Ser98fs (NM_013334.4); short protein forms S98fs.
Identifiers: ClinVar variation 2500893 (VCV002500893.1), dbSNP rs1175885498, ClinGen allele CA2573334989.
Genomic context (GRCh38, chr3:49,723,079, plus strand): 5'-CTTGGAAGGGGAAATCGCAGATCACGTCACTGTTGAGGACGAAGAAAGGGTCTGCAGTCT[CAGAG>C]AGTAGGTCACGGGCCAGCGCCAGGGGCCCAGCTGGGGGAAGGGGACAGGTCACCACCTTG-3'

ClinVar aggregate classification (germline): Likely pathogenic (1 of 4 stars; one submission).

Conditions:
Myopathy caused by variation in GMPPB. Identifiers: MedGen CN305644, MONDO:0700084.

Submission:

Broad Center for Mendelian Genomics, Broad Institute of MIT and Harvard
Classification: Likely pathogenic for Myopathy caused by variation in GMPPB. Last evaluated: 2023-05-02. Review status: criteria provided, single submitter. Criteria: ACMG Guidelines, 2015. Collection method: curation. Allele origin: germline.
Comment: The heterozygous p.Ser98ArgfsTer13 variant in GMPPB was identified by our study, in the compound heterozygous state with a variant of uncertain significance (ClinVar Variation ID: 2099219), in two siblings with GMPPB-related myopathy. Familial exome analysis revealed that this variant was in trans with a variant of uncertain significance (ClinVar Variation ID: 2099219). The p.Ser98ArgfsTer13 variant in GMPPB has been previously reported in two affected relatives in one family with GMPPB-related myopathy (PMID: 32056211). These individuals were compound heterozygotes who carried a variant of uncertain significance (ClinVar Variation ID: 2099219) in trans, which increases the likelihood that the p.Ser98ArgfsTer13 variant is pathogenic. This variant was absent from population studies. This variant is predicted to cause a frameshift, which alters the protein‚Äôs amino acid sequence beginning at position 49 and leads to a premature termination codon 53 amino acids downstream. This alteration is then predicted to lead to a truncated or absent protein. Loss of function of the GMPPB gene is strongly associated to autosomal recessive GMPPB-related myopathy. In summary, although additional studies are required to fully establish its clinical significance, this variant is likely pathogenic for autosomal recessive GMPPB-related myopathy. ACMG/AMP Criteria applied: PVS1_Strong, PM2_Supporting, PM3_Supporting (Richards 2015).